The following is an entry in ClinVar:

ClinVar aggregate classification (germline): Uncertain significance. Review status: criteria provided, multiple submitters, no conflicts (2 of 4 stars). 2 submissions from 2 submitters: Uncertain significance (2). Last evaluated 2026-02-26.

Conditions:
Inborn genetic diseases. Identifiers: MedGen C0950123, MeSH D030342.

Allele frequency attached by ClinVar (database versions not stated): TOPMed below 0.00001; gnomAD exomes 0.00001; ExAC 0.00002.
gnomAD v4.1: 17 of 1,177,295 alleles (0.0014%); highest among the groups gnomAD compares: Non-Finnish European, 0.0018%; no homozygotes.

Submissions (2):

Ambry Genetics
Classification: Uncertain significance for Inborn genetic diseases. Last evaluated: 2026-02-26. Review status: criteria provided, single submitter. Criteria: Ambry Variant Classification Scheme 2023. Collection method: clinical testing. Allele origin: germline.

Labcorp Genetics (formerly Invitae), Labcorp
Classification: Uncertain significance. Last evaluated: 2024-02-17. Review status: criteria provided, single submitter. Criteria: Invitae Variant Classification Sherloc (09022015). Collection method: clinical testing. Allele origin: germline.
Comment: This sequence change replaces serine, which is neutral and polar, with leucine, which is neutral and non-polar, at codon 148 of the GPR143 protein (p.Ser148Leu). The frequency data for this variant in the population databases is considered unreliable, as metrics indicate poor data quality at this position in the gnomAD database. This variant has not been reported in the literature in individuals affected with GPR143-related conditions. ClinVar contains an entry for this variant (Variation ID: 1464882). Advanced modeling of protein sequence and biophysical properties (such as structural, functional, and spatial information, amino acid conservation, physicochemical variation, residue mobility, and thermodynamic stability) performed at Invitae indicates that this missense variant is expected to disrupt GPR143 protein function with a positive predictive value of 80%. Algorithms developed to predict the effect of sequence changes on RNA splicing suggest that this variant may disrupt the consensus splice site. In summary, the available evidence is currently insufficient to determine the role of this variant in disease. Therefore, it has been classified as a Variant of Uncertain Significance.

NM_000273.3(GPR143):c.443C>T (p.Ser148Leu)

Gene: GPR143 (G protein-coupled receptor 143; minus strand). Cytogenetic location: Xp22.2.
Variant type: single nucleotide variant.
Coding change: c.443C>T on transcript NM_000273.3 (MANE Select); coding-DNA position 443, C replaced by T.
Protein change: p.Ser148Leu; replaces serine 148 with leucine.
Molecular consequence: missense variant.
Genome position (GRCh38, 1-based): chrX:9,759,344, G>A on the plus strand (C>T on the coding strand, the complement: GPR143 is on the minus strand). VCF-style: chrX-9759344-G-A. GRCh37 (hg19) VCF-style: chrX-9727384-G-A.
Other names: c.443C>T (NM_000273.2); short protein forms S148L.
Identifiers: ClinVar variation 1464882 (VCV001464882.9), dbSNP rs762815553, ClinGen allele CA10345032.